The following is an entry in ClinVar:

NM_021870.3(FGG):c.329T>G (p.Leu110Trp)

Gene: FGG (fibrinogen gamma chain; minus strand). Cytogenetic location: 4q32.1.
Variant type: single nucleotide variant.
Coding change: c.329T>G on transcript NM_021870.3 (MANE Select); coding-DNA position 329, T replaced by G.
Protein change: p.Leu110Trp; replaces leucine 110 with tryptophan.
Molecular consequence: missense variant.
Genome position (GRCh38, 1-based): chr4:154,611,877, A>C on the plus strand (T>G on the coding strand, the complement: FGG is on the minus strand). VCF-style: chr4-154611877-A-C. GRCh37 (hg19) VCF-style: chr4-155533029-A-C.
Other names: c.329T>G, p.Leu110Trp (NM_000509.6); short protein forms L110W.
Identifiers: ClinVar variation 4991060 (VCV004991060.1).

ClinVar aggregate classification (germline): Uncertain significance (1 of 4 stars; one submission).

Conditions:
FGG-related disorder. Also called: FGG-related condition.

Submission:

PreventionGenetics, part of Exact Sciences
Classification: Uncertain significance for FGG-related condition. Last evaluated: 2026-02-05. Review status: criteria provided, single submitter. Criteria: ACMG Guidelines, 2015. Collection method: clinical testing. Allele origin: germline.
Comment: The FGG c.329T>G variant is predicted to result in the amino acid substitution p.Leu110Trp. To our knowledge, this variant has not been reported in the literature or in a large population database (gnomAD), indicating this variant is rare. At this time, the clinical significance of this variant is uncertain due to the absence of conclusive functional and genetic evidence.